The following is an entry in ClinVar:

ClinVar aggregate classification (germline): Uncertain significance (1 of 4 stars; one submission).

Conditions:
Joubert syndrome 8 (JBTS8). Identifiers: Orphanet 475, MedGen C2676771, MONDO:0012855, OMIM 612291.

Allele frequency attached by ClinVar (database versions not stated): TOPMed below 0.00001.
gnomAD v4.1: 1 of 1,609,378 alleles (0.000062%); highest among the groups gnomAD compares: Non-Finnish European, 0.000085%; no homozygotes.

Submission:

Labcorp Genetics (formerly Invitae), Labcorp
Classification: Uncertain significance for Joubert syndrome 8. Last evaluated: 2022-10-04. Review status: criteria provided, single submitter. Criteria: Invitae Variant Classification Sherloc (09022015). Collection method: clinical testing. Allele origin: germline.
Comment: This variant has not been reported in the literature in individuals affected with ARL13B-related conditions. In summary, the available evidence is currently insufficient to determine the role of this variant in disease. Therefore, it has been classified as a Variant of Uncertain Significance. Advanced modeling of protein sequence and biophysical properties (such as structural, functional, and spatial information, amino acid conservation, physicochemical variation, residue mobility, and thermodynamic stability) performed at Invitae indicates that this missense variant is not expected to disrupt ARL13B protein function. ClinVar contains an entry for this variant (Variation ID: 1018029). This variant is not present in population databases (gnomAD no frequency). This sequence change replaces methionine, which is neutral and non-polar, with threonine, which is neutral and polar, at codon 353 of the ARL13B protein (p.Met353Thr).

NM_001174150.2(ARL13B):c.1058T>C (p.Met353Thr)

Gene: ARL13B (ARF like GTPase 13B; plus strand). Cytogenetic location: 3q11.2.
Variant type: single nucleotide variant.
Coding change: c.1058T>C on transcript NM_001174150.2 (MANE Select); coding-DNA position 1058, T replaced by C.
Protein change: p.Met353Thr; replaces methionine 353 with threonine.
Molecular consequence: missense variant. On other transcripts: non-coding transcript variant (2).
Genome position (GRCh38, 1-based): chr3:94,049,439, T>C. VCF-style: chr3-94049439-T-C. GRCh37 (hg19) VCF-style: chr3-93768283-T-C.
Other names: c.749T>C, p.Met250Thr (NM_001174151.2); c.1013T>C, p.Met338Thr (NM_001321328.2); c.737T>C, p.Met246Thr (NM_144996.4); c.1058T>C, p.Met353Thr (NM_182896.3); short protein forms M246T, M250T, M338T, M353T.
Identifiers: ClinVar variation 1018029 (VCV001018029.5), dbSNP rs1390167347, ClinGen allele CA353679408.